The following is an entry in ClinVar:

NM_177438.3(DICER1):c.735-17T>A

Gene: DICER1 (dicer 1, ribonuclease III; minus strand). Cytogenetic location: 14q32.13.
Variant type: single nucleotide variant.
Coding change: c.735-17T>A on transcript NM_177438.3 (MANE Select); 17 bases into the intron before coding-DNA position 735, T replaced by A.
Molecular consequence: intron variant.
Genome position (GRCh38, 1-based): chr14:95,126,765, A>T on the plus strand (T>A on the coding strand, the complement: DICER1 is on the minus strand). VCF-style: chr14-95126765-A-T. GRCh37 (hg19) VCF-style: chr14-95593102-A-T.
Other names: c.735-17T>A (NM_001291628.2, NM_030621.4, NM_001395677.1 and 14 more transcripts); c.330-17T>A (NM_001395690.1, NM_001395687.1, NM_001395689.1 and 3 more transcripts); c.453-17T>A (NM_001395686.1); c.168-17T>A (NM_001395691.1); c.-834-17T>A (NM_001395697.1).
Identifiers: ClinVar variation 2021397 (VCV002021397.4), dbSNP rs2140235006, ClinGen allele CA2580089191.

ClinVar aggregate classification (germline): Uncertain significance (1 of 4 stars; one submission).

Conditions:
DICER1-related tumor predisposition. Also called: DICER1 syndrome; DICER1-related pleuropulmonary blastoma cancer predisposition syndrome. Identifiers: Orphanet 284343, MedGen C3839822, MONDO:0100216.

Submission:

Labcorp Genetics (formerly Invitae), Labcorp
Classification: Uncertain significance for DICER1-related tumor predisposition. Last evaluated: 2022-09-14. Review status: criteria provided, single submitter. Criteria: Invitae Variant Classification Sherloc (09022015). Collection method: clinical testing. Allele origin: germline.
Comment: This sequence change falls in intron 6 of the DICER1 gene. It does not directly change the encoded amino acid sequence of the DICER1 protein. In summary, the available evidence is currently insufficient to determine the role of this variant in disease. Therefore, it has been classified as a Variant of Uncertain Significance. Algorithms developed to predict the effect of sequence changes on RNA splicing suggest that this variant may create or strengthen a splice site. This variant has not been reported in the literature in individuals affected with DICER1-related conditions. This variant is not present in population databases (gnomAD no frequency).